The following is an entry in ClinVar:

ClinVar aggregate classification (germline): Conflicting classifications of pathogenicity. Review status: criteria provided, conflicting classifications (1 of 4 stars). 3 submissions from 3 submitters: Likely pathogenic (1); Uncertain significance (1). 1 of the submissions does not count toward it. Last evaluated 2024-01-19.

Conditions:
Familial long QT syndrome (RWS). Also called: Congenital long QT syndrome; Romano-Ward syndrome; VENTRICULAR FIBRILLATION WITH PROLONGED QT INTERVAL. Identifiers: Orphanet 768, MedGen C1141890, MONDO:0019171.
Long QT syndrome (LQTS). Identifiers: MedGen C0023976, MeSH D008133, MONDO:0002442. Disease mechanism: loss of function. Inheritance: Various modes of inheritance.

Submissions (3):

Mayo Clinic Laboratories, Mayo Clinic
Classification: Likely pathogenic. Last evaluated: 2024-01-19. Review status: criteria provided, single submitter. Criteria: ACMG Guidelines, 2015. Collection method: clinical testing. Allele origin: germline. Observed: 1 variant allele.
Comment: PP2, PP3, PM2, PS3_supporting, PS4_moderate

Labcorp Genetics (formerly Invitae), Labcorp
Classification: Uncertain significance for Long QT syndrome. Last evaluated: 2018-09-10. Review status: criteria provided, single submitter. Criteria: Invitae Variant Classification Sherloc (09022015). Collection method: clinical testing. Allele origin: germline.
Comment: This sequence change replaces valine with glycine at codon 94 of the KCNH2 protein (p.Val94Gly). The valine residue is moderately conserved and there is a moderate physicochemical difference between valine and glycine. This variant is not present in population databases (ExAC no frequency). In summary, the available evidence is currently insufficient to determine the role of this variant in disease. Therefore, it has been classified as a Variant of Uncertain Significance. The observation of one or more missense substitutions at this codon (p.Val94Gly and p.Val94Met) in affected individuals suggests that this may be a clinically significant residue (PMID: 21956039, Invitae). Experimental studies have shown that this missense change results in abnormal protein trafficking (PMID: 25417810). This variant has been observed in an individual referred for testing for long QT syndrome (PMID: 19716085). ClinVar contains an entry for this variant (Variation ID: 67441).

Cardiovascular Biomedical Research Unit, Royal Brompton & Harefield NHS Foundation Trust
No classification provided. Condition: Familial long QT syndrome. Review status: no classification provided. Collection method: literature only. Allele origin: germline. Not counted in ClinVar's aggregate classification.
Comment: This variant has been reported as associated with Long QT syndrome in the following publications (PMID:19716085). This is a literature report, and does not necessarily reflect the clinical interpretation of the Imperial College / Royal Brompton Cardiovascular Genetics laboratory.

Literature cited by the submitters: PubMed 19716085 (cited by 3 submitters); PubMed 25417810 (cited by Mayo Clinic Laboratories, Mayo Clinic and Labcorp Genetics (formerly Invitae), Labcorp); PubMed 32421437 (cited by Mayo Clinic Laboratories, Mayo Clinic); PubMed 32475984 (cited by Mayo Clinic Laboratories, Mayo Clinic); PubMed 35688148 (cited by Mayo Clinic Laboratories, Mayo Clinic); PubMed 37187232 (cited by Mayo Clinic Laboratories, Mayo Clinic); PubMed 21956039 (cited by Labcorp Genetics (formerly Invitae), Labcorp); PubMed 22581653 (cited by Cardiovascular Biomedical Research Unit, Royal Brompton & Harefield NHS Foundation Trust).

NM_000238.4(KCNH2):c.281T>G (p.Val94Gly)

Gene: KCNH2 (potassium voltage-gated channel subfamily H member 2; minus strand). Cytogenetic location: 7q36.1.
Variant type: single nucleotide variant.
Coding change: c.281T>G on transcript NM_000238.4 (MANE Select); coding-DNA position 281, T replaced by G.
Protein change: p.Val94Gly; replaces valine 94 with glycine.
Molecular consequence: missense variant.
Genome position (GRCh38, 1-based): chr7:150,974,737, A>C on the plus strand (T>G on the coding strand, the complement: KCNH2 is on the minus strand). VCF-style: chr7-150974737-A-C. GRCh37 (hg19) VCF-style: chr7-150671825-A-C.
Other names: c.281T>G (LRG_288t1); c.104T>G, p.Val35Gly (NM_001406755.1); c.281T>G, p.Val94Gly (NM_172056.3); short protein forms V94G, V35G.
Identifiers: ClinVar variation 67441 (VCV000067441.8), dbSNP rs199472852, ClinGen allele CA007478.